The following is an entry in ClinVar:

ClinVar aggregate classification (germline): Likely benign (0 of 4 stars; one submission).

Conditions:
ALG14-related disorder. Also called: ALG14-related condition.

Allele frequency attached by ClinVar (database versions not stated): TOPMed 0.00001; gnomAD 0.00002.
gnomAD v4.1: 3 of 152,260 alleles (0.002%); highest among the groups gnomAD compares: Non-Finnish European, 0.0044%; no homozygotes.

Submission:

PreventionGenetics, part of Exact Sciences
Classification: Likely benign for ALG14-related condition. Last evaluated: 2023-05-25. Review status: no assertion criteria provided. Collection method: clinical testing. Allele origin: germline.
Comment: This variant is classified as likely benign based on ACMG/AMP sequence variant interpretation guidelines (Richards et al. 2015 PMID: 25741868, with internal and published modifications).

NM_144988.4(ALG14):c.289-8631T>C

Gene: ALG14 (ALG14 UDP-N-acetylglucosaminyltransferase subunit; minus strand). Cytogenetic location: 1p21.3.
Variant type: single nucleotide variant.
Coding change: c.289-8631T>C on transcript NM_144988.4 (MANE Select); 8631 bases into the intron before coding-DNA position 289, T replaced by C.
Molecular consequence: intron variant.
Genome position (GRCh38, 1-based): chr1:95,035,891, A>G on the plus strand (T>C on the coding strand, the complement: ALG14 is on the minus strand). VCF-style: chr1-95035891-A-G. GRCh37 (hg19) VCF-style: chr1-95501447-A-G.
Other names: c.289-9T>C (NM_001305242.2).
Identifiers: ClinVar variation 3051090 (VCV003051090.2), dbSNP rs1358189673, ClinGen allele CA740532794.
Genomic context (GRCh38, chr1:95,035,891, plus strand): 5'-TGAAACATACAATACCTTTATTATTTAGTGAATGCCACACGACTGAAAAGTCCTGGAAAC[A>G]AGACAAAGTTAAAATGGTAAAATTTCATTCAACCAAAAATGGTTTCAGCTTTCTTTCATA-3'